The following is an entry in ClinVar:

ClinVar aggregate classification (germline): Likely pathogenic. Review status: criteria provided, multiple submitters, no conflicts (2 of 4 stars). 4 submissions from 4 submitters: Likely pathogenic (2). 2 of the submissions do not count toward it. Last evaluated 2021-10-11.

Conditions:
Gorlin syndrome. Also called: Nevoid Basal Cell Carcinoma Syndrome; Basal cell nevus syndrome. Identifiers: Orphanet 377, MedGen C0004779, MONDO:0007187.
PTCH1-related disorder. Also called: PTCH1-related disorders; PTCH1-related condition.
Basal cell nevus syndrome 1 (BCNS1). Also called: GORLIN-GOLTZ SYNDROME; MULTIPLE BASAL CELL NEVI, ODONTOGENIC KERATOCYSTS, AND SKELETAL ANOMALIES. Identifiers: MedGen CN376810, MONDO:0958174, OMIM 109400.
Hereditary cancer-predisposing syndrome. Also called: Hereditary Cancer Syndrome; Neoplastic Syndromes, Hereditary; Hereditary neoplastic syndrome; Tumor predisposition. Identifiers: Orphanet 140162, MedGen C0027672, MeSH D009386, MONDO:0015356.

Submissions (4):

Labcorp Genetics (formerly Invitae), Labcorp
Classification: Likely pathogenic for Gorlin syndrome. Last evaluated: 2021-10-11. Review status: criteria provided, single submitter. Criteria: Invitae Variant Classification Sherloc (09022015). Collection method: clinical testing. Allele origin: germline.
Comment: This variant, c.2438_2446dup, results in the insertion of 3 amino acid(s) to the PTCH1 protein (p.Pro813_Ile815dup), but otherwise preserves the integrity of the reading frame. This variant is not present in population databases (ExAC no frequency). This variant has been observed in individuals with basal cell nevus syndrome (PMID: 8658145; Invitae). It has also been observed to segregate with disease in related individuals. This variant is also known as an insertion of 9 base pairs at nucleotide 2445. ClinVar contains an entry for this variant (Variation ID: 821274). Experimental studies and prediction algorithms are not available or were not evaluated, and the functional significance of this variant is currently unknown. In summary, the currently available evidence indicates that the variant is pathogenic, but additional data are needed to prove that conclusively. Therefore, this variant has been classified as Likely Pathogenic.

Ambry Genetics
Classification: Likely pathogenic for Hereditary cancer-predisposing syndrome. Last evaluated: 2019-06-19. Review status: criteria provided, single submitter. Criteria: Ambry Variant Classification Scheme 2023. Collection method: clinical testing. Allele origin: germline.
Comment: The c.2438_2446dupCGAATATCC variant (also known as p.P813_I815dup), located in coding exon 15 of the PTCH1 gene, results from an in-frame duplication of CGAATATCC at nucleotide positions 2438 to 2446. This results in the duplication of 3 extra residues (PNI) between codons 813 and 815. This alteration has been reported in individuals with personal and family history consistent with Nevoid Basal Cell Carcinoma Syndrome (Johnson RL et al. Science, 1996 Jun;272:1668-71; Ambry Internal Data). This amino acid region is not well conserved in available vertebrate species. Based on the majority of available evidence to date, this variant is likely to be pathogenic.

PreventionGenetics, part of Exact Sciences
Classification: Pathogenic for PTCH1-related condition. Last evaluated: 2023-10-26. Review status: no assertion criteria provided. Collection method: clinical testing. Allele origin: germline. Not counted in ClinVar's aggregate classification.
Comment: The PTCH1 c.2438_2446dup9 variant is predicted to result in an in-frame duplication (p.Pro813_Ile815dup). This variant was reported in an individual with basal cell nevus syndrome, and segregated with disease in two additional affected and three unaffected family members (described as occurring at nucleotide 2445, Johnson et al 1996. PubMed ID: 8658145). This variant has not been reported in a large population database, indicating it is rare. In ClinVar, this variant is interpreted as pathogenic and likely pathogenic. This variant is interpreted as pathogenic.

OMIM
Classification: Pathogenic for BASAL CELL NEVUS SYNDROME 1. Last evaluated: 1996-06-14. Review status: no assertion criteria provided. Collection method: literature only. Allele origin: germline. Not counted in ClinVar's aggregate classification.

Literature cited by the submitters: PubMed 8658145 (cited by 3 submitters).

NM_000264.5(PTCH1):c.2438_2446dup (p.Pro813_Ile815dup)

Genes: PTCH1 (patched 1; minus strand), LOC100507346 (uncharacterized LOC100507346; plus strand). Cytogenetic location: 9q22.32.
Variant type: Duplication.
Coding change: c.2438_2446dup on transcript NM_000264.5 (MANE Select); coding-DNA positions 2438 to 2446, 9 bases duplicated (CGAATATCC; older notation c.2438_2446dupCGAATATCC).
Protein change: p.Pro813_Ile815dup.
Molecular consequence: inframe insertion. On other transcripts: non-coding transcript variant (1).
Genome position (GRCh38, 1-based): chr9:95,467,230-95,467,238, GGATATTCG duplicated on the plus strand (CGAATATCC on the coding strand, the reverse complement: PTCH1 is on the minus strand); duplicating any 9 consecutive bases within chr9:95,467,230-95,467,240 gives the same sequence; the c. name uses the placement nearest the transcript's 3' end. VCF-style (leftmost placement, unchanged base first): chr9-95467229-T-TGGATATTCG. GRCh37 (hg19) VCF-style: chr9-98229511-T-TGGATATTCG.
Other names: c.2438_2446dup9 (NM_000264.3); c.2438_2446dup (NM_000264.3); c.2240_2248dup, p.Pro747_Ile749dup (NM_001083602.3); c.2435_2443dup, p.Pro812_Ile814dup (NM_001083603.3); c.1985_1993dup, p.Pro662_Ile664dup (NM_001083604.3, NM_001083605.3, NM_001083606.3 and 1 more transcripts); c.2282_2290dup, p.Pro761_Ile763dup (NM_001354918.2).
Identifiers: ClinVar variation 821274 (VCV000821274.15), dbSNP rs1588568813, ClinGen allele CA915947046.